The following is an entry in ClinVar:

NM_001205293.3(CACNA1E):c.6581C>T (p.Pro2194Leu)

Gene: CACNA1E (calcium voltage-gated channel subunit alpha1 E; plus strand). Cytogenetic location: 1q25.3.
Variant type: single nucleotide variant.
Coding change: c.6581C>T on transcript NM_001205293.3 (MANE Select); coding-DNA position 6581, C replaced by T.
Protein change: p.Pro2194Leu; replaces proline 2194 with leucine.
Molecular consequence: missense variant.
Genome position (GRCh38, 1-based): chr1:181,798,473, C>T. VCF-style: chr1-181798473-C-T. GRCh37 (hg19) VCF-style: chr1-181767609-C-T.
Other names: c.6452C>T, p.Pro2151Leu (NM_000721.4); c.6395C>T, p.Pro2132Leu (NM_001205294.2); short protein forms P2194L, P2132L, P2151L.
Identifiers: ClinVar variation 3710744 (VCV003710744.2).

ClinVar aggregate classification (germline): Uncertain significance (1 of 4 stars; one submission).

gnomAD v4.1: 19 of 1,613,878 alleles (0.0012%); highest among the groups gnomAD compares: Non-Finnish European, 0.0015%; no homozygotes.

Submission:

Labcorp Genetics (formerly Invitae), Labcorp
Classification: Uncertain significance. Last evaluated: 2025-03-04. Review status: criteria provided, single submitter. Criteria: Invitae Variant Classification Sherloc (09022015). Collection method: clinical testing. Allele origin: germline.
Comment: This sequence change replaces proline, which is neutral and non-polar, with leucine, which is neutral and non-polar, at codon 2151 of the CACNA1E protein (p.Pro2151Leu). This variant is present in population databases (rs777710243, gnomAD 0.002%). This variant has not been reported in the literature in individuals affected with CACNA1E-related conditions. An algorithm developed to predict the effect of missense changes on protein structure and function outputs the following: PolyPhen-2: "Benign". The leucine amino acid residue is found in multiple mammalian species, which suggests that this missense change does not adversely affect protein function. In summary, the available evidence is currently insufficient to determine the role of this variant in disease. Therefore, it has been classified as a Variant of Uncertain Significance.